The following is an entry in ClinVar:

NM_004807.3(HS6ST1):c.381C>T (p.Cys127=)

Gene: HS6ST1 (heparan sulfate 6-O-sulfotransferase 1; minus strand). Cytogenetic location: 2q14.3.
Variant type: single nucleotide variant.
Coding change: c.381C>T on transcript NM_004807.3 (MANE Select); coding-DNA position 381, C replaced by T.
Protein change: p.Cys127=; no amino-acid change (cysteine 127 retained).
Molecular consequence: synonymous variant.
Genome position (GRCh38, 1-based): chr2:128,318,183, G>A on the plus strand (C>T on the coding strand, the complement: HS6ST1 is on the minus strand). VCF-style: chr2-128318183-G-A. GRCh37 (hg19) VCF-style: chr2-129075757-G-A.
Identifiers: ClinVar variation 3363708 (VCV003363708.1).
Genomic context (GRCh38, chr2:128,318,183, plus strand): 5'-GCAGCTCCAGCCGGTGGAGAAGCGGGAGAAGAGCCAAGTCTCGCGGCGGTTGGGCCGGTA[G>A]CAGGTGCACTTCTTCTGGCCGGGCCGGCAGTCGCACGGCACCTCGAGGCGTACGTTCTGC-3'
Protein context (NP_004798.3, residues 117-137): DCRPGQKKCT[Cys127=]YRPNRRETWL

ClinVar aggregate classification (germline): Uncertain significance (1 of 4 stars; one submission).

gnomAD v4.1: 78 of 1,530,154 alleles (0.0051%); highest among the groups gnomAD compares: South Asian, 0.08%; no homozygotes.

Submission:

GeneDx
Classification: Uncertain significance. Last evaluated: 2023-11-07. Review status: criteria provided, single submitter. Criteria: GeneDx Variant Classification Process June 2021. Collection method: clinical testing. Allele origin: germline. Affected: yes.
Comment: In silico analysis supports that this variant does not alter splicing; Has not been previously published as pathogenic or benign to our knowledge